The following is an entry in ClinVar:

ClinVar aggregate classification (germline): Uncertain significance (1 of 4 stars; one submission).

Conditions:
Glycine encephalopathy. Also called: Nonketotic hyperglycinemia; Non-ketotic hyperglycinemia. Identifiers: Orphanet 407, MedGen C0751748, MONDO:0011612, HP:0008288.

Submission:

Labcorp Genetics (formerly Invitae), Labcorp
Classification: Uncertain significance for Glycine encephalopathy. Last evaluated: 2022-02-22. Review status: criteria provided, single submitter. Criteria: Invitae Variant Classification Sherloc (09022015). Collection method: clinical testing. Allele origin: germline.
Comment: This sequence change replaces valine, which is neutral and non-polar, with leucine, which is neutral and non-polar, at codon 347 of the AMT protein (p.Val347Leu). This variant is not present in population databases (gnomAD no frequency). This variant has not been reported in the literature in individuals affected with AMT-related conditions. Advanced modeling of protein sequence and biophysical properties (such as structural, functional, and spatial information, amino acid conservation, physicochemical variation, residue mobility, and thermodynamic stability) performed at Invitae indicates that this missense variant is not expected to disrupt AMT protein function. In summary, the available evidence is currently insufficient to determine the role of this variant in disease. Therefore, it has been classified as a Variant of Uncertain Significance.

NM_000481.4(AMT):c.1039G>C (p.Val347Leu)

Gene: AMT (aminomethyltransferase; minus strand). Cytogenetic location: 3p21.31.
Variant type: single nucleotide variant.
Coding change: c.1039G>C on transcript NM_000481.4 (MANE Select); coding-DNA position 1039, G replaced by C.
Protein change: p.Val347Leu; replaces valine 347 with leucine.
Molecular consequence: missense variant. On other transcripts: non-coding transcript variant (1).
Genome position (GRCh38, 1-based): chr3:49,417,713, C>G on the plus strand (G>C on the coding strand, the complement: AMT is on the minus strand). VCF-style: chr3-49417713-C-G. GRCh37 (hg19) VCF-style: chr3-49455146-C-G.
Other names: c.907G>C, p.Val303Leu (NM_001164710.2); c.871G>C, p.Val291Leu (NM_001164711.2); c.1039G>C, p.Val347Leu (NM_001164712.2); short protein forms V291L, V303L, V347L.
Identifiers: ClinVar variation 1974935 (VCV001974935.2), dbSNP rs2049022729, ClinGen allele CA352789207.